The following is an entry in ClinVar:

NM_000051.4(ATM):c.5861C>G (p.Ala1954Gly)

Genes: ATM (ATM serine/threonine kinase; plus strand), C11orf65 (chromosome 11 open reading frame 65; minus strand). Cytogenetic location: 11q22.3.
Variant type: single nucleotide variant.
Coding change: c.5861C>G on transcript NM_000051.4 (MANE Select); coding-DNA position 5861, C replaced by G.
Protein change: p.Ala1954Gly; replaces alanine 1954 with glycine.
Molecular consequence: missense variant. On other transcripts: intron variant (2).
Genome position (GRCh38, 1-based): chr11:108,310,258, C>G. VCF-style: chr11-108310258-C-G. GRCh37 (hg19) VCF-style: chr11-108180985-C-G.
Other names: c.5861C>G, p.Ala1954Gly (NM_001351834.2); c.641-1187G>C (NM_001330368.2); c.*39-1187G>C (NM_001351110.2); short protein forms A1954G.
Identifiers: ClinVar variation 560759 (VCV000560759.19), dbSNP rs1565489916, ClinGen allele CA382548483.

ClinVar aggregate classification (germline): Uncertain significance. Review status: criteria provided, multiple submitters, no conflicts (2 of 4 stars). 5 submissions from 5 submitters: Uncertain significance (5). Last evaluated 2026-05-07.

Conditions:
Hereditary cancer-predisposing syndrome. Also called: Hereditary Cancer Syndrome; Neoplastic Syndromes, Hereditary; Tumor predisposition; Hereditary neoplastic syndrome. Identifiers: Orphanet 140162, MedGen C0027672, MeSH D009386, MONDO:0015356.
Ataxia-telangiectasia syndrome (AT). Also called: Cerebello-oculocutaneous telangiectasia; Immunodeficiency with ataxia telangiectasia; Ataxia-telangiectasia, complementation group E; Ataxia-telangiectasia, complementation group D; AT, COMPLEMENTATION GROUP C; ATAXIA-TELANGIECTASIA, COMPLEMENTATION GROUP A. Identifiers: Orphanet 100, MedGen C0004135, MONDO:0008840, OMIM 208900.

Allele frequency attached by ClinVar (database versions not stated): gnomAD exomes below 0.00001.
gnomAD v4.1: 2 of 1,613,420 alleles (0.00012%); highest among the groups gnomAD compares: Non-Finnish European, 0.00017%; no homozygotes.

Submissions (5):

Ambry Genetics
Classification: Uncertain significance for Hereditary cancer-predisposing syndrome. Last evaluated: 2026-05-07. Review status: criteria provided, single submitter. Criteria: Ambry Variant Classification Scheme 2023. Collection method: clinical testing. Allele origin: germline.
Comment: The c.5861C>G variant (also known as p.A1954G), located in coding exon 38 of the ATM gene, results from a C to G substitution at nucleotide position 5861. The alanine at codon 1954 is replaced by glycine, an amino acid with similar properties. In an assay testing ATM function, this variant showed a functionally abnormal result (Lee KS et al. Cell, 2025 Sep;188:5081-5099.e27). This nucleotide position is highly conserved in available vertebrate species. This amino acid position is highly conserved in available vertebrate species. In silico splice site analysis predicts that this alteration will result in the creation or strengthening of a novel splice acceptor site. RNA studies have demonstrated that this variant results in a splice defect; the clinical impact of this abnormal splicing is unknown at this time (Ambry internal data). In addition, the in silico prediction for this alteration is inconclusive. Based on the available evidence, the clinical significance of this variant remains unclear.

Labcorp Genetics (formerly Invitae), Labcorp
Classification: Uncertain significance for Ataxia-telangiectasia syndrome. Last evaluated: 2024-02-12. Review status: criteria provided, single submitter. Criteria: Invitae Variant Classification Sherloc (09022015). Collection method: clinical testing. Allele origin: germline.
Comment: This sequence change replaces alanine, which is neutral and non-polar, with glycine, which is neutral and non-polar, at codon 1954 of the ATM protein (p.Ala1954Gly). RNA analysis indicates that this missense change induces altered splicing and may result in an absent or disrupted protein product. This variant is not present in population databases (gnomAD no frequency). This missense change has been observed in individual(s) with pancreatic cancer (PMID: 35171259). ClinVar contains an entry for this variant (Variation ID: 560759). An algorithm developed to predict the effect of missense changes on protein structure and function (PolyPhen-2) suggests that this variant is likely to be disruptive. Studies have shown that this missense change results in activation of a cryptic splice site and introduces a premature termination codon (Invitae). The resulting mRNA is expected to undergo nonsense-mediated decay. In summary, the available evidence is currently insufficient to determine the role of this variant in disease. Therefore, it has been classified as a Variant of Uncertain Significance.

Color Diagnostics, LLC DBA Color Health
Classification: Uncertain significance for Hereditary cancer-predisposing syndrome. Last evaluated: 2023-12-05. Review status: criteria provided, single submitter. Criteria: ACMG Guidelines, 2015. Collection method: clinical testing. Allele origin: germline.
Comment: This missense variant replaces alanine with glycine at codon 1954 of the ATM protein. Computational prediction tools and conservation analyses are inconclusive regarding the impact of this variant on protein structure and function. Splice site prediction tools suggest that this variant may not impact RNA splicing. To our knowledge, functional studies have not been performed for this variant. This variant has not been reported in individuals affected with hereditary cancer in the literature. This variant has not been identified in the general population by the Genome Aggregation Database (gnomAD). The available evidence is insufficient to determine the role of this variant in disease conclusively. Therefore, this variant is classified as a Variant of Uncertain Significance.

GeneDx
Classification: Uncertain significance. Last evaluated: 2019-06-03. Review status: criteria provided, single submitter. Criteria: GeneDx Variant Classification Process June 2021. Collection method: clinical testing. Allele origin: germline. Affected: yes.
Comment: Not observed in large population cohorts (Lek et al., 2016); Has not been previously published as pathogenic or benign to our knowledge

PreventionGenetics, part of Exact Sciences
Classification: Uncertain significance. Last evaluated: 2017-08-08. Review status: criteria provided, single submitter. Criteria: ACMG Guidelines, 2015. Collection method: clinical testing. Allele origin: germline.

Literature cited by the submitters: PubMed 40580951 (cited by Ambry Genetics); PubMed 35171259 (cited by Labcorp Genetics (formerly Invitae), Labcorp).